The following is an entry in ClinVar:

NM_004393.6(DAG1):c.691G>T (p.Val231Leu)

Gene: DAG1 (dystroglycan 1; plus strand). Cytogenetic location: 3p21.31.
Variant type: single nucleotide variant.
Coding change: c.691G>T on transcript NM_004393.6 (MANE Select); coding-DNA position 691, G replaced by T.
Protein change: p.Val231Leu; replaces valine 231 with leucine.
Molecular consequence: missense variant.
Genome position (GRCh38, 1-based): chr3:49,531,202, G>T. VCF-style: chr3-49531202-G-T. GRCh37 (hg19) VCF-style: chr3-49568635-G-T.
Other names: c.691G>T, p.Val231Leu (NM_001177639.3, NM_001177640.3, NM_001177641.3 and 9 more transcripts); short protein forms V231L.
Identifiers: ClinVar variation 965362 (VCV000965362.7), dbSNP rs2051333513, ClinGen allele CA352793869.

ClinVar aggregate classification (germline): Uncertain significance (1 of 4 stars; one submission).

Conditions:
Autosomal recessive limb-girdle muscular dystrophy type 2P. Also called: MUSCULAR DYSTROPHY-DYSTROGLYCANOPATHY, LIMB-GIRDLE, DAG1-RELATED; Limb-Girdle Muscular Dystrophy Type 9C; MUSCULAR DYSTROPHY, LIMB-GIRDLE, TYPE 2P. Identifiers: Orphanet 280333, MedGen C4511963, MONDO:0013440, OMIM 613818.
Muscular dystrophy-dystroglycanopathy (congenital with brain and eye anomalies), type A9. Also called: WALKER-WARBURG SYNDROME OR MUSCLE-EYE BRAIN DISEASE, DAG1-RELATED; Muscular dystrophy-dystroglycanopathy (congenital with brain and eye anomalies), type a, 9. Identifiers: Orphanet 370997, Orphanet 899, MedGen C4225291, MONDO:0014683, OMIM 616538.

Submission:

Labcorp Genetics (formerly Invitae), Labcorp
Classification: Uncertain significance for Autosomal recessive limb-girdle muscular dystrophy type 2P; Muscular dystrophy-dystroglycanopathy (congenital with brain and eye anomalies), type A9. Last evaluated: 2021-07-16. Review status: criteria provided, single submitter. Criteria: Invitae Variant Classification Sherloc (09022015). Collection method: clinical testing. Allele origin: germline.
Comment: In summary, the available evidence is currently insufficient to determine the role of this variant in disease. Therefore, it has been classified as a Variant of Uncertain Significance. Algorithms developed to predict the effect of missense changes on protein structure and function (SIFT, PolyPhen-2, Align-GVGD) all suggest that this variant is likely to be tolerated, but these predictions have not been confirmed by published functional studies and their clinical significance is uncertain. This variant has not been reported in the literature in individuals with DAG1-related conditions. This variant is not present in population databases (ExAC no frequency). This sequence change replaces valine with leucine at codon 231 of the DAG1 protein (p.Val231Leu). The valine residue is moderately conserved and there is a small physicochemical difference between valine and leucine.